The following is an entry in ClinVar:

NM_017819.4(TRMT10C):c.1126G>A (p.Val376Ile)

Gene: TRMT10C (tRNA methyltransferase 10C, mitochondrial RNase P subunit; plus strand). Cytogenetic location: 3q12.3.
Variant type: single nucleotide variant.
Coding change: c.1126G>A on transcript NM_017819.4 (MANE Select); coding-DNA position 1126, G replaced by A.
Protein change: p.Val376Ile; replaces valine 376 with isoleucine.
Molecular consequence: missense variant.
Genome position (GRCh38, 1-based): chr3:101,565,907, G>A. VCF-style: chr3-101565907-G-A. GRCh37 (hg19) VCF-style: chr3-101284751-G-A.
Other names: short protein forms V376I.
Identifiers: ClinVar variation 4693011 (VCV004693011.1).

ClinVar aggregate classification (germline): Uncertain significance (1 of 4 stars; one submission).

gnomAD v4.1: 41 of 1,613,954 alleles (0.0025%); highest among the groups gnomAD compares: East Asian, 0.0089%; no homozygotes.

Submission:

Labcorp Genetics (formerly Invitae), Labcorp
Classification: Uncertain significance. Last evaluated: 2025-06-25. Review status: criteria provided, single submitter. Criteria: Invitae Variant Classification Sherloc (09022015). Collection method: clinical testing. Allele origin: germline.
Comment: This sequence change replaces valine, which is neutral and non-polar, with isoleucine, which is neutral and non-polar, at codon 376 of the TRMT10C protein (p.Val376Ile). This variant is present in population databases (rs747902786, gnomAD 0.01%). This variant has not been reported in the literature in individuals affected with TRMT10C-related conditions. Invitae Evidence Modeling of protein sequence and biophysical properties (such as structural, functional, and spatial information, amino acid conservation, physicochemical variation, residue mobility, and thermodynamic stability) indicates that this missense variant is not expected to disrupt TRMT10C protein function with a negative predictive value of 80%. In summary, the available evidence is currently insufficient to determine the role of this variant in disease. Therefore, it has been classified as a Variant of Uncertain Significance.